The following is an entry in ClinVar:

ClinVar aggregate classification (germline): Uncertain significance. Review status: criteria provided, multiple submitters, no conflicts (2 of 4 stars). 3 submissions from 3 submitters: Uncertain significance (3). Last evaluated 2024-02-20.

Conditions:
Inborn genetic diseases. Identifiers: MedGen C0950123, MeSH D030342.
Holoprosencephaly 9 (HPE9). Also called: HOLOPROSENCEPHALY WITH MICROPHTHALMIA AND FIRST BRANCHIAL ARCH ANOMALIES; PITUITARY ANOMALIES WITH HOLOPROSENCEPHALY-LIKE FEATURES. Identifiers: Orphanet 2162, MedGen C1835819, MONDO:0012563, OMIM 610829.
Postaxial polydactyly-anterior pituitary anomalies-facial dysmorphism syndrome. Also called: Culler-Jones syndrome. Identifiers: Orphanet 420584, MedGen C4014479, MONDO:0014369, OMIM 615849.

Allele frequency attached by ClinVar (database versions not stated): gnomAD exomes below 0.00001; gnomAD 0.00004; TOPMed 0.00011.
gnomAD v4.1: 10 of 1,588,898 alleles (0.00063%); highest among the groups gnomAD compares: Admixed American, 0.01%; no homozygotes.

Submissions (3):

Labcorp Genetics (formerly Invitae), Labcorp
Classification: Uncertain significance for Postaxial polydactyly-anterior pituitary anomalies-facial dysmorphism syndrome; Holoprosencephaly 9. Last evaluated: 2024-02-20. Review status: criteria provided, single submitter. Criteria: Invitae Variant Classification Sherloc (09022015). Collection method: clinical testing. Allele origin: germline.
Comment: This sequence change replaces glycine, which is neutral and non-polar, with aspartic acid, which is acidic and polar, at codon 773 of the GLI2 protein (p.Gly773Asp). The frequency data for this variant in the population databases is considered unreliable, as metrics indicate poor data quality at this position in the gnomAD database. This variant has not been reported in the literature in individuals affected with GLI2-related conditions. ClinVar contains an entry for this variant (Variation ID: 330978). Advanced modeling of protein sequence and biophysical properties (such as structural, functional, and spatial information, amino acid conservation, physicochemical variation, residue mobility, and thermodynamic stability) performed at Invitae indicates that this missense variant is not expected to disrupt GLI2 protein function with a negative predictive value of 80%. In summary, the available evidence is currently insufficient to determine the role of this variant in disease. Therefore, it has been classified as a Variant of Uncertain Significance.

Ambry Genetics
Classification: Uncertain significance for Inborn genetic diseases. Last evaluated: 2022-12-01. Review status: criteria provided, single submitter. Criteria: Ambry Variant Classification Scheme 2023. Collection method: clinical testing. Allele origin: germline.

Illumina Laboratory Services, Illumina
Classification: Uncertain significance for Holoprosencephaly 9. Last evaluated: 2018-01-13. Review status: criteria provided, single submitter. Criteria: ICSL Variant Classification Criteria 13 December 2019. Collection method: clinical testing. Allele origin: germline.

NM_001374353.1(GLI2):c.2267G>A (p.Gly756Asp)

Gene: GLI2 (GLI family zinc finger 2; plus strand). Cytogenetic location: 2q14.2.
Variant type: single nucleotide variant.
Coding change: c.2267G>A on transcript NM_001374353.1 (MANE Select); coding-DNA position 2267, G replaced by A.
Protein change: p.Gly756Asp; replaces glycine 756 with aspartic acid.
Molecular consequence: missense variant.
Genome position (GRCh38, 1-based): chr2:120,988,232, G>A. VCF-style: chr2-120988232-G-A. GRCh37 (hg19) VCF-style: chr2-121745808-G-A.
Other names: c.2318G>A, p.Gly773Asp (NM_001371271.1, NM_005270.5); c.1892G>A, p.Gly631Asp (NM_001374354.1); short protein forms G773D, G756D, G631D.
Identifiers: ClinVar variation 330978 (VCV000330978.10), dbSNP rs886054812, ClinGen allele CA10611949.
Genomic context (GRCh38, chr2:120,988,232, plus strand): 5'-CCTTGTCCCGGTGCTGACCCCTCTGCTCTCCCGCAGGCTCCATCCTGGAAAACTTCAGTG[G>A]CAGTGGGGGCGGCGGGCCCGCGGGGCTGCTGCCGAACCCGCGGCTGTCGGAGCTGTCCGC-3'
Protein context (NP_001361282.1, residues 746-766): GSGSILENFS[Gly756Asp]SGGGGPAGLL